The following is an entry in ClinVar:

ClinVar aggregate classification (germline): Pathogenic/Likely pathogenic. Review status: criteria provided, multiple submitters, no conflicts (2 of 4 stars). 2 submissions from 2 submitters: Pathogenic (1); Likely pathogenic (1). Last evaluated 2024-06-13.

Conditions:
Cardiovascular phenotype. Identifiers: MedGen CN230736.

Submissions (2):

GeneDx
Classification: Likely pathogenic. Last evaluated: 2024-06-13. Review status: criteria provided, single submitter. Criteria: GeneDx Variant Classification Process June 2021. Collection method: clinical testing. Allele origin: germline. Affected: yes.
Comment: Has been reported in an individual with an intermediate presentation of DMD/BMD (PMID: 7849724); Not observed at significant frequency in large population cohorts (gnomAD); Nonsense variant predicted to result in protein truncation or nonsense mediated decay in a gene for which loss of function is a known mechanism of disease; Based on the understanding of this genetic alteration, it may be amenable to nonsense read-through therapy that is currently available or in clinical trial; This variant is associated with the following publications: (PMID: 25525159, 7849724)

Ambry Genetics
Classification: Pathogenic for Cardiovascular phenotype. Last evaluated: 2023-08-02. Review status: criteria provided, single submitter. Criteria: Ambry Variant Classification Scheme 2023. Collection method: clinical testing. Allele origin: germline.
Comment: The p.K105* pathogenic mutation (also known as c.313A>T), located in coding exon 5 of the DMD gene, results from an A to T substitution at nucleotide position 313. This changes the amino acid from a lysine to a stop codon within coding exon 5. This variant has been detected in an individual reported to have intermediate Duchenne/Becker muscular dystrophy phenotype; however, details were limited (Torella A et al. PLoS One, 2020 Aug;15:e0237803; Nigro V et al. Hum Mol Genet, 1994 Oct;3:1907-8). This variant is considered to be rare based on population cohorts in the Genome Aggregation Database (gnomAD). In addition to the clinical data presented in the literature, this alteration is expected to result in loss of function by premature protein truncation or nonsense-mediated mRNA decay. As such, this alteration is interpreted as a disease-causing mutation.

Literature cited by the submitters: PubMed 32813700 (cited by Ambry Genetics); PubMed 7849724 (cited by Ambry Genetics).

NM_004006.3(DMD):c.313A>T (p.Lys105Ter)

Gene: DMD (dystrophin; minus strand). Cytogenetic location: Xp21.1.
Variant type: single nucleotide variant.
Coding change: c.313A>T on transcript NM_004006.3 (MANE Select); coding-DNA position 313, A replaced by T.
Protein change: p.Lys105Ter; replaces lysine 105 with a stop codon.
Molecular consequence: nonsense. On other transcripts: 5 prime UTR variant (1).
Genome position (GRCh38, 1-based): chrX:32,823,339, T>A on the plus strand (A>T on the coding strand, the complement: DMD is on the minus strand). VCF-style: chrX-32823339-T-A. GRCh37 (hg19) VCF-style: chrX-32841456-T-A.
Other names: c.289A>T, p.Lys97Ter (NM_000109.4); c.301A>T, p.Lys101Ter (NM_004009.3); c.-57A>T (NM_004010.3); short protein forms K101*, K105*, K97*.
Identifiers: ClinVar variation 2588890 (VCV002588890.3), dbSNP rs2148850223, ClinGen allele CA412674504.
Genomic context (GRCh38, chrX:32,823,339, plus strand): 5'-TCATCAGGATTCTTACCTGCCAGTGGAGGATTATATTCCAAATCAAACCAAGAGTCAGTT[T>A]ATGATTTCCATCTACGATGTCAGTACTTCCAATATTCACTAAATCAACCTGTTAAAGAAA-3'